The following is an entry in ClinVar:

ClinVar aggregate classification (germline): Uncertain significance (1 of 4 stars; one submission).

Allele frequency attached by ClinVar (database versions not stated): gnomAD exomes below 0.00001.
gnomAD v4.1: 2 of 1,613,792 alleles (0.00012%); highest among the groups gnomAD compares: South Asian, 0.0011%; no homozygotes.

Submission:

Labcorp Genetics (formerly Invitae), Labcorp
Classification: Uncertain significance. Last evaluated: 2023-06-12. Review status: criteria provided, single submitter. Criteria: Invitae Variant Classification Sherloc (09022015). Collection method: clinical testing. Allele origin: germline.
Comment: This sequence change replaces tryptophan, which is neutral and slightly polar, with cysteine, which is neutral and slightly polar, at codon 231 of the SLC20A2 protein (p.Trp231Cys). In summary, the available evidence is currently insufficient to determine the role of this variant in disease. Therefore, it has been classified as a Variant of Uncertain Significance. Advanced modeling of protein sequence and biophysical properties (such as structural, functional, and spatial information, amino acid conservation, physicochemical variation, residue mobility, and thermodynamic stability) performed at Invitae indicates that this missense variant is not expected to disrupt SLC20A2 protein function. This variant has not been reported in the literature in individuals affected with SLC20A2-related conditions. This variant is not present in population databases (gnomAD no frequency).

NM_001257180.2(SLC20A2):c.693G>C (p.Trp231Cys)

Gene: SLC20A2 (solute carrier family 20 member 2; minus strand). Cytogenetic location: 8p11.21.
Variant type: single nucleotide variant.
Coding change: c.693G>C on transcript NM_001257180.2 (MANE Select); coding-DNA position 693, G replaced by C.
Protein change: p.Trp231Cys; replaces tryptophan 231 with cysteine.
Molecular consequence: missense variant.
Genome position (GRCh38, 1-based): chr8:42,444,683, C>G on the plus strand (G>C on the coding strand, the complement: SLC20A2 is on the minus strand). VCF-style: chr8-42444683-C-G. GRCh37 (hg19) VCF-style: chr8-42302201-C-G.
Other names: c.693G>C, p.Trp231Cys (NM_001257181.2, NM_006749.5); short protein forms W231C.
Identifiers: ClinVar variation 2790118 (VCV002790118.3), dbSNP rs970811748, ClinGen allele CA175982199.